The following is an entry in ClinVar:

ClinVar aggregate classification (germline): Uncertain significance (1 of 4 stars; one submission).

Conditions:
Maturity-onset diabetes of the young (MODY). Also called: Maturity onset diabetes mellitus in young. Identifiers: Orphanet 552, MedGen C0342276, MONDO:0018911, HP:0004904.

Submission:

Clinical Genomics, Uppaluri K&H Personalized Medicine Clinic
Classification: Uncertain significance for Maturity-onset diabetes of the young. Review status: criteria provided, single submitter. Criteria: K & H Uppaluri Personalized Medicine Clinic Variant Classification & Assertion Criteria_Updated V.1. Collection method: research. Allele origin: somatic. Inheritance: Autosomal dominant inheritance.
Comment: Mutations in KCNJ11 gene can cause decreased production and secretion of insulin. This can lead to MODY which may be responsive to oral sulfonylureas. It is also associated with Neonatal Diabetes. However, no sufficient evidence is found to ascertain the role of this particular variant (rs539975714) in MODY yet.

Literature cited by the submitters: PubMed 18767144; PubMed 26448950; PubMed 15580558; PubMed 15718250; PubMed 32935446; PubMed 22701567.

NM_000525.4(KCNJ11):c.-154G>A

Gene: KCNJ11 (potassium inwardly rectifying channel subfamily J member 11; minus strand). Cytogenetic location: 11p15.1.
Variant type: single nucleotide variant.
Coding change: c.-154G>A on transcript NM_000525.4 (MANE Select); 154 bases upstream of the start codon, G replaced by A.
Molecular consequence: 5 prime UTR variant. On other transcripts: intron variant (3).
Genome position (GRCh38, 1-based): chr11:17,388,245, C>T on the plus strand (G>A on the coding strand, the complement: KCNJ11 is on the minus strand). VCF-style: chr11-17388245-C-T. GRCh37 (hg19) VCF-style: chr11-17409792-C-T.
Other names: c.-16-399G>A (NM_001166290.2, NM_001377297.1); c.-75-169G>A (NM_001377296.1).
Identifiers: ClinVar variation 1679518 (VCV001679518.1), dbSNP rs539975714, ClinGen allele CA935521971.